The following is an entry in ClinVar:

ClinVar aggregate classification (germline): Pathogenic (1 of 4 stars; one submission).

Conditions:
Neuromuscular disease caused by qualitative or quantitative defects of dystrophin. Also called: Qualitative or quantitative defects of dystrophin. Identifiers: Orphanet 207085, MedGen C5679787, MONDO:0016147.

Submission:

Women's Health and Genetics/Laboratory Corporation of America, LabCorp
Classification: Pathogenic for Neuromuscular disease caused by qualitative or quantitative defects of dystrophin. Last evaluated: 2021-02-12. Review status: criteria provided, single submitter. Criteria: LabCorp Variant Classification Summary - May 2015. Collection method: clinical testing. Allele origin: germline.
Comment: Variant summary: The variant identified by MLPA or other technology involves the deletion of exons 45-52 in the DMD gene. A presumed nomenclature of c.(6438+1_6439-1)_(7660+1_7661-1)del has been designated for the purposes of this classification. Although exact breakpoints of this deletion are not known, it is expected to result in a frameshift deletion change in the DMD gene, a known mechanism of disease. The variant was absent in 16119 control chromosomes (gnomAD, Structural Variants dataset). Deletion of exons 45-52 has been reported in the literature in multiple individuals affected with Dystrophinopathies (e.g. Ankala_2012, Okubo_2016, Elhawary_2018, Polavarapu_2019, Zhang_2019). These data indicate that the variant is very likely to be associated with disease. A ClinVar submitter (evaluation after 2014) cites the variant as pathogenic. Based on the evidence outlined above, the variant was classified as pathogenic.

Literature cited by the submitters: PubMed 22090376; PubMed 29631625; PubMed 26911353; PubMed 31139960; PubMed 31727011.

NC_000023.10:g.(31697704_31747747)_(31986632_32235032)del

Gene: DMD (dystrophin; minus strand). Cytogenetic location: Xp21.1.
Variant type: Deletion.
Identifiers: ClinVar variation 997904 (VCV000997904.1).